The following is an entry in ClinVar:

NM_003403.5(YY1):c.842+1G>C

Gene: YY1 (YY1 transcription factor; plus strand). Cytogenetic location: 14q32.2.
Variant type: single nucleotide variant.
Coding change: c.842+1G>C on transcript NM_003403.5 (MANE Select); the canonical splice donor site of the intron after coding-DNA position 842, G replaced by C.
Molecular consequence: splice donor variant.
Genome position (GRCh38, 1-based): chr14:100,262,467, G>C. VCF-style: chr14-100262467-G-C. GRCh37 (hg19) VCF-style: chr14-100728804-G-C.
Identifiers: ClinVar variation 3764501 (VCV003764501.2).
Genomic context (GRCh38, chr14:100,262,467, plus strand): 5'-TCCTGGAGGAATACCTGGCATTGACCTCTCAGATCCCAAACAACTGGCAGAATTTGCTAG[G>C]TAAGTTATAAGAACTTTCCTTTCTTTTAATTATAGAAAGTGCTTGAGTCTTGCCAGCTAT-3'

ClinVar aggregate classification (germline): Likely pathogenic (1 of 4 stars; one submission).

Conditions:
Gabriele de Vries syndrome. Identifiers: Orphanet 506358, MedGen C4479652, MONDO:0044738, OMIM 617557.

Submission:

CGC Genetics, Unilabs
Classification: Likely pathogenic for Gabriele de Vries syndrome. Last evaluated: 2024-12-31. Review status: criteria provided, single submitter. Criteria: ACMG Guidelines, 2015. Collection method: clinical testing. Allele origin: unknown. Inheritance: Autosomal dominant inheritance. Affected: yes. Observed: 1 heterozygote.
Comment: The variant NM_003403.5:c.842+1G>C p.?, detected in heterozygosity in intron 2 (of 5 exons) of the YY1 gene (chr.14), has not been described in the literature or in the gnomAD databases at the time of this submission. It is located in a canonical splicing donor site and bioinformatic analysis predicts that it causes skipping of exon 2. With the available information, this should be classified as a likely pathogenic variant. ACMG codes: PM2_supporting; PVS1.